The following is an entry in ClinVar:

NM_005235.3(ERBB4):c.2080-102_2080-101insG

Gene: ERBB4 (erb-b2 receptor tyrosine kinase 4; minus strand). Cytogenetic location: 2q34.
Variant type: Insertion.
Coding change: c.2080-102_2080-101insG on transcript NM_005235.3 (MANE Select); 102 bases into the intron before coding-DNA position 2080 through 101 bases into the intron before coding-DNA position 2080, G inserted.
Molecular consequence: intron variant.
Genome position: GRCh38 VCF-style: chr2-211624145-G-GC. GRCh37 (hg19) VCF-style: chr2-212488870-G-GC.
Other names: c.2080-102_2080-101insG (NM_001042599.2); c.2050-102_2050-101insG (NM_001439006.1, NM_001439005.1).
Identifiers: ClinVar variation 1230058 (VCV001230058.5), dbSNP rs76332141, ClinGen allele CA65166624.
Genomic context (GRCh38, chr2:211,624,145, plus strand): 5'-AGTCAGTCCTCTCTCTCTGTCTCTCTCTCTCTCTCTCTCTTTGGTTCTCTTTCTTACAAA[G>GC]AAAAACACACCAACTTGGTTTGCCTTGACAACCAATACCTTCGTAATATGCACCACTCAC-3'

ClinVar aggregate classification (germline): Benign. Review status: criteria provided, multiple submitters, no conflicts (2 of 4 stars). 2 submissions from 2 submitters: Benign (2). Last evaluated 2024-07-31.

Allele frequency attached by ClinVar (database versions not stated): 1000 Genomes Project 30x 0.85134; 1000 Genomes Project 0.85224; TOPMed 0.85869; gnomAD 0.86376 and 0.86656; gnomAD exomes 0.89839.

Submissions (2):

Unidad de Genómica Garrahan, Hospital de Pediatría Garrahan
Classification: Benign. Last evaluated: 2024-07-31. Review status: criteria provided, single submitter. Criteria: ACMG Guidelines, 2015. Collection method: clinical testing. Allele origin: germline. Affected: no. Observed: 52 variant alleles.
Comment: This variant is classified as Benign based on local population frequency. This variant was detected in 56% of patients studied in a panel designed for Epileptic and Developmental Encephalopathy, Progressive Myoclonus Epilepsy and Abnormal Movements and Neurodegeneration with brain iron accumulation. Number of patients: 52. Only high quality variants are reported.

GeneDx
Classification: Benign. Last evaluated: 2021-05-11. Review status: criteria provided, single submitter. Criteria: GeneDx Variant Classification Process June 2021. Collection method: clinical testing. Allele origin: germline. Affected: yes.